The following is an entry in ClinVar:

NM_002857.4(PEX19):c.215A>G (p.Gln72Arg)

Gene: PEX19 (peroxisomal biogenesis factor 19; minus strand). Cytogenetic location: 1q23.2.
Variant type: single nucleotide variant.
Coding change: c.215A>G on transcript NM_002857.4 (MANE Select); coding-DNA position 215, A replaced by G.
Protein change: p.Gln72Arg; replaces glutamine 72 with arginine.
Molecular consequence: missense variant. On other transcripts: non-coding transcript variant (2).
Genome position (GRCh38, 1-based): chr1:160,283,075, T>C on the plus strand (A>G on the coding strand, the complement: PEX19 is on the minus strand). VCF-style: chr1-160283075-T-C. GRCh37 (hg19) VCF-style: chr1-160252865-T-C.
Other names: c.215A>G, p.Gln72Arg (NM_001193644.1); short protein forms Q72R.
Identifiers: ClinVar variation 595898 (VCV000595898.14), dbSNP rs543271441, ClinGen allele CA1197434.
Genomic context (GRCh38, chr1:160,283,075, plus strand): 5'-TTCATTGCCTTCTCGAACTCCGCAGTGGCTTGGGAAGCCAGTTCACTGTCGAATAGTTCC[T>C]GGAAAAACTTCTCTTGGGAAGCGAAGAGGGCATCCTGCGGGGGAAGGATGGCTGAAATGC-3'
Protein context (NP_002848.1, residues 62-82): ALFASQEKFF[Gln72Arg]ELFDSELASQ

ClinVar aggregate classification (germline): Uncertain significance. Review status: criteria provided, multiple submitters, no conflicts (2 of 4 stars). 4 submissions from 4 submitters: Uncertain significance (4). Last evaluated 2025-08-06.

Conditions:
Inborn genetic diseases. Identifiers: MedGen C0950123, MeSH D030342.
Peroxisome biogenesis disorder 12A (Zellweger). Also called: Peroxisome biogenesis disorder 12A. Identifiers: Orphanet 912, MedGen C3554002, MONDO:0013951, OMIM 614886.

Allele frequency attached by ClinVar (database versions not stated): 1000 Genomes Project 30x 0.00031; 1000 Genomes Project 0.00040; TOPMed 0.00002; gnomAD 0.00004 and 0.00005; ExAC 0.00017.
gnomAD v4.1: 114 of 1,614,032 alleles (0.0071%); highest among the groups gnomAD compares: South Asian, 0.087%; no homozygotes.

Submissions (4):

Ambry Genetics
Classification: Uncertain significance for Inborn genetic diseases. Last evaluated: 2025-08-06. Review status: criteria provided, single submitter. Criteria: Ambry Variant Classification Scheme 2023. Collection method: clinical testing. Allele origin: germline.

Neuberg Centre For Genomic Medicine, NCGM
Classification: Uncertain significance for Peroxisome biogenesis disorder 12A (Zellweger). Last evaluated: 2023-06-02. Review status: criteria provided, single submitter. Criteria: ACMG Guidelines, 2015. Collection method: clinical testing. Allele origin: germline. Inheritance: Autosomal recessive inheritance. Affected: yes.
Comment: The observed missense c.215A>G(p.Gln72Arg) variant in PEX19 gene has not been reported previously as a pathogenic variant nor a benign variant, to our knowledge. The p.Gln72Arg variant has been reported with allele frequency of 0.02% in gnomAD Exomes. This variant has been reported to the ClinVar database as Uncertain Significance. Multiple lines of computational evidence (Polyphen - Probably damaging, SIFT - Damaging and MutationTaster - Disease causing) predict a damaging effect on protein structure and function for this variant. The amino acid change p.Gln72Arg in PEX19 is predicted as conserved by GERP++ and PhyloP across 100 vertebrates. The amino acid Gln at position 72 is changed to a Arg changing protein sequence and it might alter its composition and physico-chemical properties. For these reasons, this variant has been classified as a Variant of Uncertain Significance (VUS).

Labcorp Genetics (formerly Invitae), Labcorp
Classification: Uncertain significance for Peroxisome biogenesis disorder 12A (Zellweger). Last evaluated: 2022-10-05. Review status: criteria provided, single submitter. Criteria: Invitae Variant Classification Sherloc (09022015). Collection method: clinical testing. Allele origin: germline.
Comment: This sequence change replaces glutamine, which is neutral and polar, with arginine, which is basic and polar, at codon 72 of the PEX19 protein (p.Gln72Arg). This variant is present in population databases (rs543271441, gnomAD 0.1%). This variant has not been reported in the literature in individuals affected with PEX19-related conditions. ClinVar contains an entry for this variant (Variation ID: 595898). Advanced modeling of protein sequence and biophysical properties (such as structural, functional, and spatial information, amino acid conservation, physicochemical variation, residue mobility, and thermodynamic stability) performed at Invitae indicates that this missense variant is not expected to disrupt PEX19 protein function. In summary, the available evidence is currently insufficient to determine the role of this variant in disease. Therefore, it has been classified as a Variant of Uncertain Significance.

Eurofins Ntd Llc (ga)
Classification: Uncertain significance. Last evaluated: 2018-01-29. Review status: criteria provided, single submitter. Criteria: EGL Classification Definitions 2015. Collection method: clinical testing. Allele origin: germline. Observed: 1 variant allele, 1 heterozygote.